The following is an entry in ClinVar:

ClinVar aggregate classification (germline): Uncertain significance (1 of 4 stars; one submission).

Conditions:
Autosomal recessive limb-girdle muscular dystrophy type 2J (LGMDR10). Also called: Limb-girdle muscular dystrophy, type 2J; MUSCULAR DYSTROPHY, LIMB-GIRDLE, AUTOSOMAL RECESSIVE 10. Identifiers: Orphanet 140922, MedGen C1837342, MONDO:0012127, OMIM 608807.
Dilated cardiomyopathy 1G (CMD1G). Identifiers: Orphanet 154, MedGen C1858763, MONDO:0011400, OMIM 604145.

Allele frequency attached by ClinVar (database versions not stated): TOPMed below 0.00001; ExAC 0.00001; gnomAD 0.00001; gnomAD exomes 0.00001.
gnomAD v4.1: 16 of 1,611,518 alleles (0.00099%); highest among the groups gnomAD compares: Admixed American, 0.0017%; no homozygotes.

Submission:

Labcorp Genetics (formerly Invitae), Labcorp
Classification: Uncertain significance for Dilated cardiomyopathy 1G; Autosomal recessive limb-girdle muscular dystrophy type 2J. Last evaluated: 2024-03-20. Review status: criteria provided, single submitter. Criteria: Invitae Variant Classification Sherloc (09022015). Collection method: clinical testing. Allele origin: germline.
Comment: This sequence change replaces asparagine, which is neutral and polar, with serine, which is neutral and polar, at codon 22751 of the TTN protein (p.Asn22751Ser). This variant is present in population databases (rs761226149, gnomAD 0.002%). This variant has not been reported in the literature in individuals affected with TTN-related conditions. ClinVar contains an entry for this variant (Variation ID: 535003). Experimental studies and prediction algorithms are not available or were not evaluated, and the functional significance of this variant is currently unknown. This variant is located in the A band of TTN (PMID: 25589632). Variants in this region may be relevant for cardiac or neuromuscular disorders (PMID: 25589632, 23975875). In summary, the available evidence is currently insufficient to determine the role of this variant in disease. Therefore, it has been classified as a Variant of Uncertain Significance.

Literature cited by the submitters: PubMed 25589632; PubMed 23975875.

NM_001267550.2(TTN):c.68252A>G (p.Asn22751Ser)

Genes: TTN-AS1 (TTN antisense RNA 1; plus strand), TTN (titin; minus strand), LOC126806423 (CDK7 strongly-dependent group 2 enhancer GRCh37_chr2:179443309-179444508; plus strand). Cytogenetic location: 2q31.2.
Variant type: single nucleotide variant.
Coding change: c.68252A>G on transcript NM_001267550.2 (MANE Select); coding-DNA position 68252, A replaced by G.
Protein change: p.Asn22751Ser; replaces asparagine 22751 with serine.
Molecular consequence: missense variant.
Genome position (GRCh38, 1-based): chr2:178,578,688, T>C on the plus strand (A>G on the coding strand, the complement: TTN is on the minus strand). VCF-style: chr2-178578688-T-C. GRCh37 (hg19) VCF-style: chr2-179443415-T-C.
Other names: c.63329A>G, p.Asn21110Ser (NM_001256850.1); c.41057A>G, p.Asn13686Ser (NM_003319.4); c.60548A>G, p.Asn20183Ser (NM_133378.4); c.41432A>G, p.Asn13811Ser (NM_133432.3); c.41633A>G, p.Asn13878Ser (NM_133437.4); short protein forms N22751S, N13686S, N13878S, N20183S, N21110S, N13811S.
Identifiers: ClinVar variation 535003 (VCV000535003.2), dbSNP rs761226149, ClinGen allele CA1991148.